The following is an entry in ClinVar:

NM_001375808.2(LPIN2):c.1621-7T>G

Gene: LPIN2 (lipin 2; minus strand). Cytogenetic location: 18p11.31.
Variant type: single nucleotide variant.
Coding change: c.1621-7T>G on transcript NM_001375808.2 (MANE Select); 7 bases into the intron before coding-DNA position 1621, T replaced by G.
Molecular consequence: intron variant.
Genome position (GRCh38, 1-based): chr18:2,927,818, A>C on the plus strand (T>G on the coding strand, the complement: LPIN2 is on the minus strand). VCF-style: chr18-2927818-A-C. GRCh37 (hg19) VCF-style: chr18-2927816-A-C.
Other names: c.1621-7T>G (NM_014646.2, NM_001375809.1).
Identifiers: ClinVar variation 1053864 (VCV001053864.10), dbSNP rs758701848, ClinGen allele CA8873018.

ClinVar aggregate classification (germline): Conflicting classifications of pathogenicity. Review status: criteria provided, conflicting classifications (1 of 4 stars). 2 submissions from 2 submitters: Uncertain significance (1); Likely benign (1). Last evaluated 2025-11-25.

Conditions:
Majeed syndrome (MJDS). Also called: CHRONIC RECURRENT MULTIFOCAL OSTEOMYELITIS 1, WITH CONGENITAL DYSERYTHROPOIETIC ANEMIA, WITH OR WITHOUT NEUTROPHILIC DERMATOSIS; LPIN2-Related Majeed Syndrome. Identifiers: Orphanet 77297, MedGen C1864997, MONDO:0012316, OMIM 609628.

Allele frequency attached by ClinVar (database versions not stated): gnomAD exomes 0.00002 and 0.00004; gnomAD 0.00001; TOPMed 0.00001; ExAC 0.00002.
gnomAD v4.1: 24 of 1,613,824 alleles (0.0015%); highest among the groups gnomAD compares: South Asian, 0.019%; no homozygotes.

Submissions (2):

Labcorp Genetics (formerly Invitae), Labcorp
Classification: Likely benign for Majeed syndrome. Last evaluated: 2025-11-25. Review status: criteria provided, single submitter. Criteria: Invitae Variant Classification Sherloc (09022015). Collection method: clinical testing. Allele origin: germline.

ARUP Laboratories, Molecular Genetics and Genomics, ARUP Laboratories
Classification: Uncertain significance for Majeed syndrome. Last evaluated: 2024-08-20. Review status: criteria provided, single submitter. Criteria: ARUP Molecular Germline Variant Investigation Process 2024. Collection method: clinical testing. Allele origin: germline.
Comment: The LPIN2 c.1621-7T>G variant (rs758701848), to our knowledge, is not reported in the medical literature but is reported in ClinVar (Variation ID: 1053864). This variant is observed in the general population with an overall allele frequency of 0.004% (11/282888 alleles) in the Genome Aggregation Database (v2.1.1). This is an intronic variant and computational analyses (Alamut Visual Plus v.1.5.1) predict that this variant may impact splicing by weakening the nearby canonical acceptor splice site. Due to limited information, the clinical significance of this variant is uncertain at this time.